The following is an entry in ClinVar:

NM_001040108.2(MLH3):c.3623C>T (p.Thr1208Ile)

Gene: MLH3 (mutL homolog 3; minus strand). Cytogenetic location: 14q24.3.
Variant type: single nucleotide variant.
Coding change: c.3623C>T on transcript NM_001040108.2 (MANE Select); coding-DNA position 3623, C replaced by T.
Protein change: p.Thr1208Ile; replaces threonine 1208 with isoleucine.
Molecular consequence: missense variant.
Genome position (GRCh38, 1-based): chr14:75,038,360, G>A on the plus strand (C>T on the coding strand, the complement: MLH3 is on the minus strand). VCF-style: chr14-75038360-G-A. GRCh37 (hg19) VCF-style: chr14-75505063-G-A.
Other names: c.3623C>T, p.Thr1208Ile (NM_014381.3); short protein forms T1208I.
Identifiers: ClinVar variation 1733345 (VCV001733345.2), dbSNP rs1026378963, ClinGen allele CA263643782.

ClinVar aggregate classification (germline): Uncertain significance (1 of 4 stars; one submission).

Allele frequency attached by ClinVar (database versions not stated): TOPMed below 0.00001; gnomAD 0.00001.
gnomAD v4.1: 1 of 1,613,504 alleles (0.000062%); highest among the groups gnomAD compares: African/African-American, 0.0013%; no homozygotes.

Submission:

Ambry Genetics
Classification: Uncertain significance. Last evaluated: 2022-08-31. Review status: criteria provided, single submitter. Criteria: Ambry Variant Classification Scheme 2023. Collection method: clinical testing. Allele origin: germline.
Comment: The p.T1208I variant (also known as c.3623C>T), located in coding exon 5 of the MLH3 gene, results from a C to T substitution at nucleotide position 3623. The threonine at codon 1208 is replaced by isoleucine, an amino acid with similar properties. This amino acid position is conserved. In addition, this alteration is predicted to be tolerated by in silico analysis. Since supporting evidence is limited at this time, the clinical significance of this alteration remains unclear.